The following is an entry in ClinVar:

ClinVar aggregate classification (germline): Uncertain significance. Review status: criteria provided, multiple submitters, no conflicts (2 of 4 stars). 2 submissions from 2 submitters: Uncertain significance (2). Last evaluated 2021-09-02.

Conditions:
Asphyxiating thoracic dystrophy 3. Also called: SHORT-RIB THORACIC DYSPLASIA 3 WITH OR WITHOUT POLYDACTYLY; POLYDACTYLY WITH NEONATAL CHONDRODYSTROPHY, TYPE I; SHORT-RIB THORACIC DYSPLASIA 3/6 WITH POLYDACTYLY, DIGENIC; Short rib polydactyly syndrome 2B; Saldino-Noonan Syndrome. Identifiers: Orphanet 474, Orphanet 93269, Orphanet 93270, Orphanet 93271, MedGen C0036069, MONDO:0013127, OMIM 613091.
Jeune thoracic dystrophy. Also called: Short-rib thoracic dysplasia; Jeune syndrome; Infantile thoracic dystrophy; Thoracic pelvic phalangeal dystrophy; Jeune's syndrome; Chondroectodermal dysplasia-like syndrome. Identifiers: Orphanet 474, MedGen C0265275, MONDO:0018770.

Allele frequency attached by ClinVar (database versions not stated): gnomAD exomes 0.00001 and 0.00002; gnomAD 0.00002 and 0.00003; TOPMed 0.00002.
gnomAD v4.1: 42 of 1,613,704 alleles (0.0026%); highest among the groups gnomAD compares: Non-Finnish European, 0.0032%; no homozygotes.

Submissions (2):

Labcorp Genetics (formerly Invitae), Labcorp
Classification: Uncertain significance for Jeune thoracic dystrophy. Last evaluated: 2021-09-02. Review status: criteria provided, single submitter. Criteria: Invitae Variant Classification Sherloc (09022015). Collection method: clinical testing. Allele origin: germline.
Comment: This sequence change replaces aspartic acid with glycine at codon 4292 of the DYNC2H1 protein (p.Asp4292Gly). The aspartic acid residue is moderately conserved and there is a moderate physicochemical difference between aspartic acid and glycine. This variant is not present in population databases (ExAC no frequency). This variant has not been reported in the literature in individuals affected with DYNC2H1-related conditions. ClinVar contains an entry for this variant (Variation ID: 302130). Advanced modeling of protein sequence and biophysical properties (such as structural, functional, and spatial information, amino acid conservation, physicochemical variation, residue mobility, and thermodynamic stability) performed at Invitae indicates that this missense variant is not expected to disrupt DYNC2H1 protein function. In summary, the available evidence is currently insufficient to determine the role of this variant in disease. Therefore, it has been classified as a Variant of Uncertain Significance.

Illumina Laboratory Services, Illumina
Classification: Uncertain significance for Asphyxiating thoracic dystrophy 3. Last evaluated: 2018-01-13. Review status: criteria provided, single submitter. Criteria: ICSL Variant Classification Criteria 13 December 2019. Collection method: clinical testing. Allele origin: germline.

NM_001377.3(DYNC2H1):c.12854A>G (p.Asp4285Gly)

Gene: DYNC2H1 (dynein cytoplasmic 2 heavy chain 1; plus strand). Cytogenetic location: 11q22.3.
Variant type: single nucleotide variant.
Coding change: c.12854A>G on transcript NM_001377.3 (MANE Select); coding-DNA position 12854, A replaced by G.
Protein change: p.Asp4285Gly; replaces aspartic acid 4285 with glycine.
Molecular consequence: missense variant.
Genome position (GRCh38, 1-based): chr11:103,479,183, A>G. VCF-style: chr11-103479183-A-G. GRCh37 (hg19) VCF-style: chr11-103349911-A-G.
Other names: c.12875A>G, p.Asp4292Gly (NM_001080463.2); short protein forms D4292G, D4285G.
Identifiers: ClinVar variation 302130 (VCV000302130.12), dbSNP rs886047583, ClinGen allele CA10633233.